The following is an entry in ClinVar:

ClinVar aggregate classification (germline): Uncertain significance. Review status: criteria provided, multiple submitters, no conflicts (2 of 4 stars). 3 submissions from 3 submitters: Uncertain significance (3). Last evaluated 2024-10-23.

Conditions:
Cranioectodermal dysplasia 4 (CED4). Identifiers: Orphanet 1515, MedGen C3280616, MONDO:0013719, OMIM 614378.
Asphyxiating thoracic dystrophy 5 (SRTD5). Also called: SHORT-RIB THORACIC DYSPLASIA 5 WITH OR WITHOUT POLYDACTYLY; SHORT-RIB THORACIC DYSPLASIA 5 WITHOUT POLYDACTYLY. Identifiers: Orphanet 474, MedGen C3280598, MONDO:0013717, OMIM 614376.
Nephronophthisis 13 (NPHP13). Identifiers: Orphanet 655, MedGen C3280612, MONDO:0013718, OMIM 614377.
Spermatogenic failure 72 (SPGF72). Identifiers: MedGen C5676980, MONDO:0030809, OMIM 619867.
Senior-Loken syndrome 8 (SLSN8). Identifiers: Orphanet 3156, MedGen C4225376, MONDO:0014579, OMIM 616307.
Connective tissue disorder. Also called: Connective tissue disease. Identifiers: MedGen C0009782, MONDO:0003900.

Allele frequency attached by ClinVar (database versions not stated): gnomAD 0.00001; gnomAD exomes 0.00001 and 0.00002; ExAC 0.00002; TOPMed 0.00002.
gnomAD v4.1: 22 of 1,613,310 alleles (0.0014%); highest among the groups gnomAD compares: Middle Eastern, 0.016%; no homozygotes.

Submissions (3):

Labcorp Genetics (formerly Invitae), Labcorp
Classification: Uncertain significance for Senior-Loken syndrome 8; Asphyxiating thoracic dystrophy 5. Last evaluated: 2024-10-23. Review status: criteria provided, single submitter. Criteria: Invitae Variant Classification Sherloc (09022015). Collection method: clinical testing. Allele origin: germline.
Comment: This sequence change replaces arginine, which is basic and polar, with glutamine, which is neutral and polar, at codon 1123 of the WDR19 protein (p.Arg1123Gln). This variant is present in population databases (rs764512369, gnomAD 0.006%). This variant has not been reported in the literature in individuals affected with WDR19-related conditions. ClinVar contains an entry for this variant (Variation ID: 937270). Invitae Evidence Modeling of protein sequence and biophysical properties (such as structural, functional, and spatial information, amino acid conservation, physicochemical variation, residue mobility, and thermodynamic stability) has been performed for this missense variant. However, the output from this modeling did not meet the statistical confidence thresholds required to predict the impact of this variant on WDR19 protein function. In summary, the available evidence is currently insufficient to determine the role of this variant in disease. Therefore, it has been classified as a Variant of Uncertain Significance.

Fulgent Genetics
Classification: Uncertain significance for Asphyxiating thoracic dystrophy 5; Nephronophthisis 13; Cranioectodermal dysplasia 4; Senior-Loken syndrome 8; Spermatogenic failure 72. Last evaluated: 2022-05-26. Review status: criteria provided, single submitter. Criteria: ACMG Guidelines, 2015. Collection method: clinical testing. Allele origin: unknown.

Genome Diagnostics Laboratory, The Hospital for Sick Children
Classification: Uncertain significance for Connective tissue disorder. Last evaluated: 2019-11-01. Review status: criteria provided, single submitter. Criteria: ACMG Guidelines, 2015. Collection method: clinical testing. Allele origin: germline.

NM_025132.4(WDR19):c.3368G>A (p.Arg1123Gln)

Gene: WDR19 (WD repeat domain 19; plus strand). Cytogenetic location: 4p14.
Variant type: single nucleotide variant.
Coding change: c.3368G>A on transcript NM_025132.4 (MANE Select); coding-DNA position 3368, G replaced by A.
Protein change: p.Arg1123Gln; replaces arginine 1123 with glutamine.
Molecular consequence: missense variant.
Genome position (GRCh38, 1-based): chr4:39,269,985, G>A. VCF-style: chr4-39269985-G-A. GRCh37 (hg19) VCF-style: chr4-39271605-G-A.
Other names: c.2888G>A, p.Arg963Gln (NM_001317924.2); short protein forms R963Q, R1123Q.
Identifiers: ClinVar variation 937270 (VCV000937270.12), dbSNP rs764512369, ClinGen allele CA2892358.